The following is an entry in ClinVar:

NM_024577.4(SH3TC2):c.3676-1G>A

Gene: SH3TC2 (SH3 domain and tetratricopeptide repeats 2; minus strand). Cytogenetic location: 5q32.
Variant type: single nucleotide variant.
Coding change: c.3676-1G>A on transcript NM_024577.4 (MANE Select); the canonical splice acceptor site of the intron before coding-DNA position 3676, G replaced by A.
Molecular consequence: splice acceptor variant.
Genome position (GRCh38, 1-based): chr5:149,004,903, C>T on the plus strand (G>A on the coding strand, the complement: SH3TC2 is on the minus strand). VCF-style: chr5-149004903-C-T. GRCh37 (hg19) VCF-style: chr5-148384466-C-T.
Identifiers: ClinVar variation 637866 (VCV000637866.9), dbSNP rs1306229414, ClinGen allele CA361663815.
Genomic context (GRCh38, chr5:149,004,903, plus strand): 5'-ACCCAGCAGGACCGCTGCTGCCAGGGCCAGAAGGAAGTACTCAGTGGCATCATGGGCATC[C>T]TAACCCCGTGGTATGGGGGCAAAGAAGAGACAGCATTAGCAAACACTTCCAGGACAGGCT-3'

ClinVar aggregate classification (germline): Uncertain significance. Review status: criteria provided, multiple submitters, no conflicts (2 of 4 stars). 4 submissions from 4 submitters: Uncertain significance (3). 1 of the submissions does not count toward it. Last evaluated 2024-06-29.

Conditions:
Charcot-Marie-Tooth disease. Also called: Charcot-Marie-Tooth Hereditary Neuropathy; Charcot-Marie-Tooth Neuropathy. Identifiers: Orphanet 166, MedGen C0007959, MONDO:0015626.
Charcot-Marie-Tooth disease type 4. Also called: Charcot-Marie-Tooth, Type 4; Charcot-Marie-Tooth disease, type IV. Identifiers: Orphanet 64749, MedGen C4082197, MONDO:0018995.
Charcot-Marie-Tooth disease type 4C (CMT4C). Also called: CMT 4C; CHARCOT-MARIE-TOOTH DISEASE, DEMYELINATING, TYPE 4C; SH3TC2-Related Hereditary Motor and Sensory Neuropathy; CHARCOT-MARIE-TOOTH DISEASE, DEMYELINATING, AUTOSOMAL RECESSIVE, TYPE 4C; Charcot-Marie-Tooth Neuropathy Type 4C (CMT4C). Identifiers: Orphanet 99949, MedGen C1866636, MONDO:0011113, OMIM 601596.

Allele frequency attached by ClinVar (database versions not stated): gnomAD exomes below 0.00001; TOPMed below 0.00001.
gnomAD v4.1: 3 of 1,614,158 alleles (0.00019%); highest among the groups gnomAD compares: Admixed American, 0.0017%; no homozygotes.

Submissions (4):

Labcorp Genetics (formerly Invitae), Labcorp
Classification: Uncertain significance for Charcot-Marie-Tooth disease type 4. Last evaluated: 2024-06-29. Review status: criteria provided, single submitter. Criteria: Invitae Variant Classification Sherloc (09022015). Collection method: clinical testing. Allele origin: germline.
Comment: This sequence change affects an acceptor splice site in intron 16 of the SH3TC2 gene. While this variant is not anticipated to result in nonsense mediated decay, it likely alters RNA splicing and results in a disrupted protein product. This variant is present in population databases (no rsID available, gnomAD 0.003%). Disruption of this splice site has been observed in individuals with clinical features of Charcot-Marie-Tooth disease (PMID: 22462672; Invitae). ClinVar contains an entry for this variant (Variation ID: 637866). Variants that disrupt the consensus splice site are a relatively common cause of aberrant splicing (PMID: 17576681, 9536098). Algorithms developed to predict the effect of sequence changes on RNA splicing suggest that this variant may disrupt the consensus splice site. In summary, the available evidence is currently insufficient to determine the role of this variant in disease. Therefore, it has been classified as a Variant of Uncertain Significance.

Blueprint Genetics
Classification: Uncertain significance. Last evaluated: 2023-08-02. Review status: criteria provided, single submitter. Criteria: ACMG Guidelines, 2015. Collection method: clinical testing. Allele origin: germline.

Department of Clinical Genetics, Aarhus University Hospital
Classification: Uncertain significance for Charcot-Marie-Tooth disease type 4C. Review status: criteria provided, single submitter. Criteria: ACMG Guidelines, 2015. Collection method: clinical testing. Allele origin: germline. Inheritance: Autosomal recessive inheritance. Affected: yes.
Comment: The variant is seen in the gnomAD 4.1 database (3/1461864 alleles). The variant is affecting splicing of the last intron-exon junction (intron 16 of 16). The same variant is reported in a heterozygous state in other patients with SH3TC2-related disorder. According to the ACMG guidelines, this variant is interpreted as uncertain significance (PVS1_moderate, PM2_supporting).

Inherited Neuropathy Consortium
Classification: Uncertain significance for Charcot-Marie-Tooth disease. Review status: no assertion criteria provided. Collection method: literature only. Allele origin: germline. Affected: yes. Not counted in ClinVar's aggregate classification.

Literature cited by the submitters: PubMed 22462672 (cited by 3 submitters); PubMed 17576681 (cited by Labcorp Genetics (formerly Invitae), Labcorp); PubMed 9536098 (cited by Labcorp Genetics (formerly Invitae), Labcorp).